The following is an entry in ClinVar:

ClinVar aggregate classification (germline): Likely pathogenic (1 of 4 stars; one submission).

Conditions:
Primary ciliary dyskinesia. Also called: Ciliary dyskinesia. Identifiers: Orphanet 244, MedGen C0008780, MONDO:0016575, HP:0012265.

Allele frequency attached by ClinVar (database versions not stated): gnomAD exomes below 0.00001.
gnomAD v4.1: 1 of 1,599,588 alleles (0.000063%); highest among the groups gnomAD compares: East Asian, 0.0022%; no homozygotes.

Submission:

Labcorp Genetics (formerly Invitae), Labcorp
Classification: Likely pathogenic for Primary ciliary dyskinesia. Last evaluated: 2025-05-19. Review status: criteria provided, single submitter. Criteria: Invitae Variant Classification Sherloc (09022015). Collection method: clinical testing. Allele origin: germline.
Comment: This sequence change affects an acceptor splice site in intron 14 of the CCDC39 gene. It is expected to disrupt RNA splicing. Variants that disrupt the donor or acceptor splice site typically lead to a loss of protein function (PMID: 16199547), and loss-of-function variants in CCDC39 are known to be pathogenic (PMID: 21131972, 23255504). This variant is not present in population databases (gnomAD no frequency). This variant has not been reported in the literature in individuals affected with CCDC39-related conditions. ClinVar contains an entry for this variant (Variation ID: 2766649). Algorithms developed to predict the effect of sequence changes on RNA splicing suggest that this variant may disrupt the consensus splice site. In summary, the currently available evidence indicates that the variant is pathogenic, but additional data are needed to prove that conclusively. Therefore, this variant has been classified as Likely Pathogenic.

Literature cited by the submitters: PubMed 16199547; PubMed 21131972; PubMed 23255504.

NM_181426.2(CCDC39):c.1999-1G>C

Gene: CCDC39 (coiled-coil domain 39 molecular ruler complex subunit; minus strand). Cytogenetic location: 3q26.33.
Variant type: single nucleotide variant.
Coding change: c.1999-1G>C on transcript NM_181426.2 (MANE Select); the canonical splice acceptor site of the intron before coding-DNA position 1999, G replaced by C.
Molecular consequence: splice acceptor variant.
Genome position (GRCh38, 1-based): chr3:180,619,971, C>G on the plus strand (G>C on the coding strand, the complement: CCDC39 is on the minus strand). VCF-style: chr3-180619971-C-G. GRCh37 (hg19) VCF-style: chr3-180337759-C-G.
Identifiers: ClinVar variation 2766649 (VCV002766649.3), dbSNP rs2473782922, ClinGen allele CA355307455.